The following is an entry in ClinVar:

ClinVar aggregate classification (germline): Uncertain significance. Review status: criteria provided, multiple submitters, no conflicts (2 of 4 stars). 2 submissions from 2 submitters: Uncertain significance (2). Last evaluated 2024-10-21.

Conditions:
Hereditary cancer-predisposing syndrome. Also called: Hereditary Cancer Syndrome; Hereditary neoplastic syndrome; Tumor predisposition; Neoplastic Syndromes, Hereditary. Identifiers: Orphanet 140162, MedGen C0027672, MeSH D009386, MONDO:0015356.
Tuberous sclerosis 2 (TSC2). Identifiers: Orphanet 805, MedGen C1860707, MONDO:0013199, OMIM 613254.

Allele frequency attached by ClinVar (database versions not stated): gnomAD exomes below 0.00001; gnomAD 0.00001.
gnomAD v4.1: 3 of 1,613,028 alleles (0.00019%); highest among the groups gnomAD compares: African/African-American, 0.0027%; no homozygotes.

Submissions (2):

Labcorp Genetics (formerly Invitae), Labcorp
Classification: Uncertain significance for Tuberous sclerosis 2. Last evaluated: 2024-10-21. Review status: criteria provided, single submitter. Criteria: Invitae Variant Classification Sherloc (09022015). Collection method: clinical testing. Allele origin: germline.
Comment: This sequence change replaces proline, which is neutral and non-polar, with serine, which is neutral and polar, at codon 962 of the TSC2 protein (p.Pro962Ser). This variant is not present in population databases (gnomAD no frequency). This variant has not been reported in the literature in individuals affected with TSC2-related conditions. ClinVar contains an entry for this variant (Variation ID: 1356621). Invitae Evidence Modeling of protein sequence and biophysical properties (such as structural, functional, and spatial information, amino acid conservation, physicochemical variation, residue mobility, and thermodynamic stability) indicates that this missense variant is not expected to disrupt TSC2 protein function with a negative predictive value of 95%. In summary, the available evidence is currently insufficient to determine the role of this variant in disease. Therefore, it has been classified as a Variant of Uncertain Significance.

Ambry Genetics
Classification: Uncertain significance for Hereditary cancer-predisposing syndrome. Last evaluated: 2022-07-04. Review status: criteria provided, single submitter. Criteria: Ambry Variant Classification Scheme 2023. Collection method: clinical testing. Allele origin: germline.
Comment: The p.P962S variant (also known as c.2884C>T), located in coding exon 25 of the TSC2 gene, results from a C to T substitution at nucleotide position 2884. The proline at codon 962 is replaced by serine, an amino acid with similar properties. This amino acid position is conserved. In addition, the in silico prediction for this alteration is inconclusive. Since supporting evidence is limited at this time, the clinical significance of this alteration remains unclear.

NM_000548.5(TSC2):c.2884C>T (p.Pro962Ser)

Gene: TSC2 (TSC complex subunit 2; plus strand). Cytogenetic location: 16p13.3.
Variant type: single nucleotide variant.
Coding change: c.2884C>T on transcript NM_000548.5 (MANE Select); coding-DNA position 2884, C replaced by T.
Protein change: p.Pro962Ser; replaces proline 962 with serine.
Molecular consequence: missense variant. On other transcripts: intron variant (9).
Genome position (GRCh38, 1-based): chr16:2,077,644, C>T. VCF-style: chr16-2077644-C-T. GRCh37 (hg19) VCF-style: chr16-2127645-C-T.
Other names: c.2884C>T, p.Pro962Ser (NM_001114382.3); c.2837+1059C>T (NM_021055.3, NM_001370405.1, NM_001363528.2 and 2 more transcripts); c.2726+1059C>T (NM_001318827.2); c.2237+1059C>T (NM_001318831.2); c.2690+1059C>T (NM_001318829.2); c.2870+1059C>T (NM_001318832.2); short protein forms P962S.
Identifiers: ClinVar variation 1356621 (VCV001356621.10), dbSNP rs1477697117, ClinGen allele CA394281030.